The following is an entry in ClinVar:

NM_000548.5(TSC2):c.2033C>A (p.Ala678Asp)

Gene: TSC2 (TSC complex subunit 2; plus strand). Cytogenetic location: 16p13.3.
Variant type: single nucleotide variant.
Coding change: c.2033C>A on transcript NM_000548.5 (MANE Select); coding-DNA position 2033, C replaced by A.
Protein change: p.Ala678Asp; replaces alanine 678 with aspartic acid.
Molecular consequence: missense variant.
Genome position (GRCh38, 1-based): chr16:2,071,870, C>A. VCF-style: chr16-2071870-C-A. GRCh37 (hg19) VCF-style: chr16-2121871-C-A.
Other names: c.2033C>A, p.Ala678Asp (NM_001077183.3, NM_001114382.3, NM_001363528.2 and 3 more transcripts); c.1922C>A, p.Ala641Asp (NM_001318827.2); c.1886C>A, p.Ala629Asp (NM_001318829.2); c.1433C>A, p.Ala478Asp (NM_001318831.2); c.2066C>A, p.Ala689Asp (NM_001318832.2); short protein forms A629D, A689D, A641D, A478D, A678D.
Identifiers: ClinVar variation 938414 (VCV000938414.10), dbSNP rs1567464805, ClinGen allele CA394274546.
Genomic context (GRCh38, chr16:2,071,870, plus strand): 5'-AGACCAGCGGCCCCCTTTCTCCTCCCACAGGGCCTCCTGGCCCGGCGCCTGCAGGCCCCG[C>A]CGTGCGGCTGGGGTCCGTGCCCTACTCCCTGCTCTTCCGCGTCCTGCTGCAGTGCTTGAA-3'
Protein context (NP_000539.2, residues 668-688): GPPGPAPAGP[Ala678Asp]VRLGSVPYSL

ClinVar aggregate classification (germline): Uncertain significance. Review status: criteria provided, multiple submitters, no conflicts (2 of 4 stars). 2 submissions from 2 submitters: Uncertain significance (2). Last evaluated 2025-04-24.

Conditions:
Tuberous sclerosis 2 (TSC2). Identifiers: Orphanet 805, MedGen C1860707, MONDO:0013199, OMIM 613254.
Hereditary cancer-predisposing syndrome. Also called: Tumor predisposition; Hereditary neoplastic syndrome; Neoplastic Syndromes, Hereditary; Hereditary Cancer Syndrome. Identifiers: Orphanet 140162, MedGen C0027672, MeSH D009386, MONDO:0015356.

Allele frequency attached by ClinVar (database versions not stated): gnomAD exomes below 0.00001.
gnomAD v4.1: 5 of 1,594,868 alleles (0.00031%); highest among the groups gnomAD compares: Non-Finnish European, 0.00043%; no homozygotes.

Submissions (2):

Ambry Genetics
Classification: Uncertain significance for Hereditary cancer-predisposing syndrome. Last evaluated: 2025-04-24. Review status: criteria provided, single submitter. Criteria: Ambry Variant Classification Scheme 2023. Collection method: clinical testing. Allele origin: germline.
Comment: The p.A678D variant (also known as c.2033C>A), located in coding exon 18 of the TSC2 gene, results from a C to A substitution at nucleotide position 2033. The alanine at codon 678 is replaced by aspartic acid, an amino acid with dissimilar properties. This amino acid position is not well conserved in available vertebrate species. In addition, the in silico prediction for this alteration is inconclusive. Based on the available evidence, the clinical significance of this variant remains unclear.

Labcorp Genetics (formerly Invitae), Labcorp
Classification: Uncertain significance for Tuberous sclerosis 2. Last evaluated: 2025-03-13. Review status: criteria provided, single submitter. Criteria: Invitae Variant Classification Sherloc (09022015). Collection method: clinical testing. Allele origin: germline.
Comment: This sequence change replaces alanine, which is neutral and non-polar, with aspartic acid, which is acidic and polar, at codon 678 of the TSC2 protein (p.Ala678Asp). This variant is not present in population databases (gnomAD no frequency). This variant has not been reported in the literature in individuals affected with TSC2-related conditions. ClinVar contains an entry for this variant (Variation ID: 938414). Invitae Evidence Modeling of protein sequence and biophysical properties (such as structural, functional, and spatial information, amino acid conservation, physicochemical variation, residue mobility, and thermodynamic stability) indicates that this missense variant is not expected to disrupt TSC2 protein function with a negative predictive value of 95%. In summary, the available evidence is currently insufficient to determine the role of this variant in disease. Therefore, it has been classified as a Variant of Uncertain Significance.